The following is an entry in ClinVar:

ClinVar aggregate classification (germline): Uncertain significance. Review status: criteria provided, multiple submitters, no conflicts (2 of 4 stars). 2 submissions from 2 submitters: Uncertain significance (2). Last evaluated 2025-05-02.

Conditions:
Malignant hyperthermia, susceptibility to, 1 (MHS1). Also called: Anesthesia related hyperthermia; Malignant hyperpyrexia; Fulminating hyperpyrexia; Pharmacogenic myopathy; Malignant hyperthermia suceptibility 1; RYR1-Related Malignant Hyperthermia Susceptibility. Identifiers: Orphanet 423, MedGen C2930980, MONDO:0007783, OMIM 145600.

Submissions (2):

GeneDx
Classification: Uncertain significance. Last evaluated: 2025-05-02. Review status: criteria provided, single submitter. Criteria: GeneDx Variant Classification Process June 2021. Collection method: clinical testing. Allele origin: germline. Affected: yes.
Comment: Not observed at significant frequency in large population cohorts (gnomAD); In silico analysis supports that this missense variant has a deleterious effect on protein structure/function; Has not been previously published as pathogenic or benign to our knowledge

Concord Molecular Medicine Laboratory, Concord Repatriation General Hospital
Classification: Uncertain significance for Malignant hyperthermia, susceptibility to, 1. Last evaluated: 2024-11-26. Review status: criteria provided, single submitter. Criteria: ACMG Guidelines, 2015. Collection method: clinical testing. Allele origin: germline. Inheritance: Autosomal dominant inheritance. Affected: yes. Observed: 1 heterozygote.
Comment: The variant is absent from control population database (gnomAD v.4.1.0). It is located at the C-terminal region but distal to the known hotspot region as defined by ClinGen VCEP (PMID: 33767344). In silico analysis suggests a pathogenic effect (REVEL 0.87).

Literature cited by the submitters: PubMed 33767344 (cited by Concord Molecular Medicine Laboratory, Concord Repatriation General Hospital); PubMed 35849058 (cited by Concord Molecular Medicine Laboratory, Concord Repatriation General Hospital).

NM_000540.3(RYR1):c.15077G>A (p.Gly5026Asp)

Gene: RYR1 (ryanodine receptor 1; plus strand). Cytogenetic location: 19q13.2.
Variant type: single nucleotide variant.
Coding change: c.15077G>A on transcript NM_000540.3 (MANE Select); coding-DNA position 15077, G replaced by A.
Protein change: p.Gly5026Asp; replaces glycine 5026 with aspartic acid.
Molecular consequence: missense variant.
Genome position (GRCh38, 1-based): chr19:38,587,380, G>A. VCF-style: chr19-38587380-G-A. GRCh37 (hg19) VCF-style: chr19-39078020-G-A.
Other names: c.15062G>A, p.Gly5021Asp (NM_001042723.2); short protein forms G5021D, G5026D.
Identifiers: ClinVar variation 3385318 (VCV003385318.2).